The following is an entry in ClinVar:

ClinVar aggregate classification (germline): Uncertain significance (1 of 4 stars; one submission).

Conditions:
Idiopathic generalized epilepsy. Also called: Generalised epilepsy; EIG. Identifiers: MedGen C0270850, MONDO:0005579, OMIM 600669.

gnomAD v4.1: 1 of 1,551,160 alleles (0.000064%); highest among the groups gnomAD compares: Non-Finnish European, 0.000087%; no homozygotes.

Submission:

Labcorp Genetics (formerly Invitae), Labcorp
Classification: Uncertain significance for Idiopathic generalized epilepsy. Last evaluated: 2023-07-17. Review status: criteria provided, single submitter. Criteria: Invitae Variant Classification Sherloc (09022015). Collection method: clinical testing. Allele origin: germline.
Comment: This variant is not present in population databases (gnomAD no frequency). This sequence change replaces alanine, which is neutral and non-polar, with proline, which is neutral and non-polar, at codon 269 of the RBFOX3 protein (p.Ala269Pro). This variant has not been reported in the literature in individuals affected with RBFOX3-related conditions. In summary, the available evidence is currently insufficient to determine the role of this variant in disease. Therefore, it has been classified as a Variant of Uncertain Significance. Advanced modeling of protein sequence and biophysical properties (such as structural, functional, and spatial information, amino acid conservation, physicochemical variation, residue mobility, and thermodynamic stability) performed at Invitae indicates that this missense variant is not expected to disrupt RBFOX3 protein function. ClinVar contains an entry for this variant (Variation ID: 1485178).

NM_001350451.2(RBFOX3):c.946G>C (p.Ala316Pro)

Gene: RBFOX3 (RNA binding fox-1 homolog 3; minus strand). Cytogenetic location: 17q25.3.
Variant type: single nucleotide variant.
Coding change: c.946G>C on transcript NM_001350451.2 (MANE Select); coding-DNA position 946, G replaced by C.
Protein change: p.Ala316Pro; replaces alanine 316 with proline.
Molecular consequence: missense variant.
Genome position (GRCh38, 1-based): chr17:79,095,565, C>G on the plus strand (G>C on the coding strand, the complement: RBFOX3 is on the minus strand). VCF-style: chr17-79095565-C-G. GRCh37 (hg19) VCF-style: chr17-77091647-C-G.
Other names: c.805G>C, p.Ala269Pro (NM_001082575.3, NM_001350453.2, NM_001385825.1 and 16 more transcripts); c.946G>C, p.Ala316Pro (NM_001385804.1, NM_001385805.1, NM_001385807.1 and 14 more transcripts); c.943G>C, p.Ala315Pro (NM_001385806.1, NM_001385822.1, NM_001385823.1); c.853G>C, p.Ala285Pro (NM_001385824.1); c.826G>C, p.Ala276Pro (NM_001385827.1); c.802G>C, p.Ala268Pro (NM_001385843.1, NM_001385844.1, NM_001385845.1 and 1 more transcripts); c.658G>C, p.Ala220Pro (NM_001385847.1); short protein forms A315P, A268P, A276P, A316P, A269P, A220P, A285P.
Identifiers: ClinVar variation 1485178 (VCV001485178.8), dbSNP rs1440844625, ClinGen allele CA401315911.